The following is an entry in ClinVar:

NM_001099274.3(TINF2):c.253C>G (p.His85Asp)

Gene: TINF2 (TERF1 interacting nuclear factor 2; minus strand). Cytogenetic location: 14q12.
Variant type: single nucleotide variant.
Coding change: c.253C>G on transcript NM_001099274.3 (MANE Select); coding-DNA position 253, C replaced by G.
Protein change: p.His85Asp; replaces histidine 85 with aspartic acid.
Molecular consequence: missense variant. On other transcripts: intron variant (1).
Genome position (GRCh38, 1-based): chr14:24,241,934, G>C on the plus strand (C>G on the coding strand, the complement: TINF2 is on the minus strand). VCF-style: chr14-24241934-G-C. GRCh37 (hg19) VCF-style: chr14-24711140-G-C.
Other names: c.253C>G, p.His85Asp (NM_012461.3); c.193-158C>G (NM_001363668.2); short protein forms H85D.
Identifiers: ClinVar variation 880974 (VCV000880974.8), dbSNP rs758462532, ClinGen allele CA7130722.
Genomic context (GRCh38, chr14:24,241,934, plus strand): 5'-TCCGGGGATTACTCACAGCCTTGGGATCCCGCACTATAGGTCCAGATTCTGGAAAGTGGT[G>C]ATTCAGGGCTTTCAGGACTTGGGCCCAAGGCCGGCCCTGCAGGATCAGCTCCACCACCAC-3'
Protein context (NP_001092744.1, residues 75-95): PWAQVLKALN[His85Asp]HFPESGPIVR

ClinVar aggregate classification (germline): Conflicting classifications of pathogenicity. Review status: criteria provided, conflicting classifications (1 of 4 stars). 3 submissions from 2 submitters: Uncertain significance (1); Benign (2). Last evaluated 2025-07-05.

Conditions:
Dyskeratosis congenita, autosomal dominant 3. Identifiers: MedGen C3151445, MONDO:0013522, OMIM 613990.
Revesz syndrome. Also called: DYSKERATOSIS CONGENITA, AUTOSOMAL DOMINANT 5; EXUDATIVE RETINOPATHY WITH BONE MARROW FAILURE. Identifiers: Orphanet 3088, MedGen C1327916, MONDO:0009990, OMIM 268130.
Dyskeratosis congenita. Identifiers: Orphanet 1775, MedGen C0265965, MONDO:0015780.

Allele frequency attached by ClinVar (database versions not stated): gnomAD 0.00001; ExAC 0.00002; gnomAD exomes 0.00002.
gnomAD v4.1: 6 of 1,614,080 alleles (0.00037%); highest among the groups gnomAD compares: Admixed American, 0.01%; no homozygotes.

Submissions (3):

Labcorp Genetics (formerly Invitae), Labcorp
Classification: Uncertain significance for Dyskeratosis congenita. Last evaluated: 2025-07-05. Review status: criteria provided, single submitter. Criteria: Invitae Variant Classification Sherloc (09022015). Collection method: clinical testing. Allele origin: germline.
Comment: This sequence change replaces histidine, which is basic and polar, with aspartic acid, which is acidic and polar, at codon 85 of the TINF2 protein (p.His85Asp). This variant is present in population databases (rs758462532, gnomAD 0.01%). This variant has not been reported in the literature in individuals affected with TINF2-related conditions. ClinVar contains an entry for this variant (Variation ID: 880974). An algorithm developed to predict the effect of missense changes on protein structure and function outputs the following: PolyPhen-2: "Benign". The aspartic acid amino acid residue is found in multiple mammalian species, which suggests that this missense change does not adversely affect protein function. In summary, the available evidence is currently insufficient to determine the role of this variant in disease. Therefore, it has been classified as a Variant of Uncertain Significance.

Illumina Laboratory Services, Illumina
Classification: Benign for Revesz syndrome. Last evaluated: 2018-01-13. Review status: criteria provided, single submitter. Criteria: ICSL Variant Classification Criteria 13 December 2019. Collection method: clinical testing. Allele origin: germline.
Comment: This variant was observed in the ICSL laboratory as part of a predisposition screen in an ostensibly healthy population. It had not been previously curated by ICSL or reported in the Human Gene Mutation Database (HGMD: prior to June 1st, 2018), and was therefore a candidate for classification through an automated scoring system. Utilizing variant allele frequency, disease prevalence and penetrance estimates, and inheritance mode, an automated score was calculated to assess if this variant is too frequent to cause the disease. Based on the score and internal cut-off values, a variant classified as benign is not then subjected to further curation. The score for this variant resulted in a classification of benign for this disease.

Illumina Laboratory Services, Illumina
Classification: Benign for Dyskeratosis congenita, autosomal dominant 3. Last evaluated: 2018-01-13. Review status: criteria provided, single submitter. Criteria: ICSL Variant Classification Criteria 13 December 2019. Collection method: clinical testing. Allele origin: germline.
Comment: the same text as in the submission from Illumina Laboratory Services, Illumina above.